The following is an entry in ClinVar:

NM_080476.5(PIGU):c.724T>C (p.Cys242Arg)

Gene: PIGU (phosphatidylinositol glycan anchor biosynthesis class U; minus strand). Cytogenetic location: 20q11.22.
Variant type: single nucleotide variant.
Coding change: c.724T>C on transcript NM_080476.5 (MANE Select); coding-DNA position 724, T replaced by C.
Protein change: p.Cys242Arg; replaces cysteine 242 with arginine.
Molecular consequence: missense variant.
Genome position (GRCh38, 1-based): chr20:34,588,511, A>G on the plus strand (T>C on the coding strand, the complement: PIGU is on the minus strand). VCF-style: chr20-34588511-A-G. GRCh37 (hg19) VCF-style: chr20-33176315-A-G.
Other names: short protein forms C242R.
Identifiers: ClinVar variation 1471543 (VCV001471543.6), dbSNP rs2146712947, ClinGen allele CA408668405.

ClinVar aggregate classification (germline): Uncertain significance (1 of 4 stars; one submission).

Submission:

Labcorp Genetics (formerly Invitae), Labcorp
Classification: Uncertain significance. Last evaluated: 2021-10-22. Review status: criteria provided, single submitter. Criteria: Invitae Variant Classification Sherloc (09022015). Collection method: clinical testing. Allele origin: germline.
Comment: This sequence change replaces cysteine with arginine at codon 242 of the PIGU protein (p.Cys242Arg). The cysteine residue is moderately conserved and there is a large physicochemical difference between cysteine and arginine. This variant is not present in population databases (ExAC no frequency). This variant has not been reported in the literature in individuals affected with PIGU-related conditions. Algorithms developed to predict the effect of missense changes on protein structure and function are either unavailable or do not agree on the potential impact of this missense change (SIFT: "Tolerated"; PolyPhen-2: "Probably Damaging"; Align-GVGD: "Class C0"). In summary, the available evidence is currently insufficient to determine the role of this variant in disease. Therefore, it has been classified as a Variant of Uncertain Significance.